The following is an entry in ClinVar:

NM_012096.3(APPL1):c.1954del (p.Glu652fs)

Genes: APPL1 (adaptor protein, phosphotyrosine interacting with PH domain and leucine zipper 1; plus strand), ASB14 (ankyrin repeat and SOCS box containing 14; minus strand). Cytogenetic location: 3p14.3.
Variant type: Deletion.
Coding change: c.1954del on transcript NM_012096.3 (MANE Select); coding-DNA position 1954, one base deleted (G; older notation c.1954delG).
Protein change: p.Glu652fs; shifts the reading frame from glutamic acid 652.
Molecular consequence: frameshift variant. On other transcripts: 3 prime UTR variant (2).
Genome position (GRCh38, 1-based): chr3:57,268,458, G deleted. VCF-style (leftmost placement, unchanged base first): chr3-57268457-AG-A. GRCh37 (hg19) VCF-style: chr3-57302485-AG-A.
Other names: c.*1183del (NM_001142733.3, NM_130387.5); short protein forms E652fs.
Identifiers: ClinVar variation 4721888 (VCV004721888.1).
Genomic context (GRCh38, chr3:57,268,457, plus strand): 5'-GGATCGTAGGGCATCAGAAAAACAAAAAGAAATAGAGAGAGTAAAAGAGAAGCAACAGAA[AG>A]AACTCAATAAACAAAAACAGATTGAAAAGGTATACAGTCCTAATGTCTGGATCTTTATGT-3'

ClinVar aggregate classification (germline): Uncertain significance (1 of 4 stars; one submission).

Submission:

Labcorp Genetics (formerly Invitae), Labcorp
Classification: Uncertain significance. Last evaluated: 2025-06-22. Review status: criteria provided, single submitter. Criteria: Invitae Variant Classification Sherloc (09022015). Collection method: clinical testing. Allele origin: germline.
Comment: This sequence change creates a premature translational stop signal (p.Glu652Asnfs*18) in the APPL1 gene. While this is not anticipated to result in nonsense mediated decay, it is expected to disrupt the last 58 amino acid(s) of the APPL1 protein. This variant is not present in population databases (gnomAD no frequency). This variant has not been reported in the literature in individuals affected with APPL1-related conditions. Experimental studies and prediction algorithms are not available or were not evaluated, and the functional significance of this variant is currently unknown. In summary, the available evidence is currently insufficient to determine the role of this variant in disease. Therefore, it has been classified as a Variant of Uncertain Significance.